The following is an entry in ClinVar:

NM_006996.3(SLC19A2):c.1030+19T>C

Gene: SLC19A2 (solute carrier family 19 member 2; minus strand). Cytogenetic location: 1q24.2.
Variant type: single nucleotide variant.
Coding change: c.1030+19T>C on transcript NM_006996.3 (MANE Select); 19 bases into the intron after coding-DNA position 1030, T replaced by C.
Molecular consequence: intron variant.
Genome position (GRCh38, 1-based): chr1:169,469,945, A>G on the plus strand (T>C on the coding strand, the complement: SLC19A2 is on the minus strand). VCF-style: chr1-169469945-A-G. GRCh37 (hg19) VCF-style: chr1-169439183-A-G.
Other names: c.427+19T>C (NM_001319667.1).
Identifiers: ClinVar variation 513598 (VCV000513598.11), dbSNP rs200952135, ClinGen allele CA1232948.

ClinVar aggregate classification (germline): Benign/Likely benign. Review status: criteria provided, multiple submitters, no conflicts (2 of 4 stars). 4 submissions from 4 submitters: Benign (1); Likely benign (3). Last evaluated 2025-12-24.

Allele frequency attached by ClinVar (database versions not stated): 1000 Genomes Project 30x 0.00062; 1000 Genomes Project 0.00080; gnomAD 0.00144 and 0.00160; ESP Exome Variant Server 0.00169; gnomAD exomes 0.00041; ExAC 0.00046; TOPMed 0.00173.
gnomAD v4.1: 455 of 1,608,990 alleles (0.028%); highest among the groups gnomAD compares: African/African-American, 0.52%; 3 homozygotes.

Submissions (4):

Labcorp Genetics (formerly Invitae), Labcorp
Classification: Benign. Last evaluated: 2025-12-24. Review status: criteria provided, single submitter. Criteria: Invitae Variant Classification Sherloc (09022015). Collection method: clinical testing. Allele origin: germline.

Blueprint Genetics
Classification: Likely benign. Last evaluated: 2024-11-20. Review status: criteria provided, single submitter. Criteria: ACMG Guidelines, 2015. Collection method: clinical testing. Allele origin: germline.

GeneDx
Classification: Likely benign. Last evaluated: 2017-12-08. Review status: criteria provided, single submitter. Criteria: GeneDx Variant Classification (06012015). Collection method: clinical testing. Allele origin: germline. Affected: yes.
Comment: This variant is considered likely benign or benign based on one or more of the following criteria: it is a conservative change, it occurs at a poorly conserved position in the protein, it is predicted to be benign by multiple in silico algorithms, and/or has population frequency not consistent with disease.

Breakthrough Genomics
Classification: Likely benign. Review status: criteria provided, single submitter. Criteria: ACMG Guidelines, 2015. Collection method: not provided. Allele origin: germline. Inheritance: Autosomal recessive inheritance. Affected: yes.